The following is an entry in ClinVar:

NM_001242896.3(DEPDC5):c.1111G>A (p.Glu371Lys)

Gene: DEPDC5 (DEP domain containing 5, GATOR1 subcomplex subunit; plus strand). Cytogenetic location: 22q12.3.
Variant type: single nucleotide variant.
Coding change: c.1111G>A on transcript NM_001242896.3 (MANE Select); coding-DNA position 1111, G replaced by A.
Protein change: p.Glu371Lys; replaces glutamic acid 371 with lysine.
Molecular consequence: missense variant. On other transcripts: non-coding transcript variant (5).
Genome position (GRCh38, 1-based): chr22:31,804,191, G>A. VCF-style: chr22-31804191-G-A. GRCh37 (hg19) VCF-style: chr22-32200177-G-A.
Other names: c.1111G>A, p.Glu371Lys (NM_001007188.4, NM_001136029.4, NM_001242897.2 and 7 more transcripts); c.1027G>A, p.Glu343Lys (NM_001369901.1, NM_001369902.1); c.1111G>A (NM_001242896.1); short protein forms E371K, E343K.
Identifiers: ClinVar variation 2695466 (VCV002695466.4), dbSNP rs2518914339, ClinGen allele CA411293422.
Genomic context (GRCh38, chr22:31,804,191, plus strand): 5'-CCACAATTCTTTTTGTCTTTTCTTTTTTTAGGAATTGGTGTGGATTTGGTGTGCATGGGA[G>A]AGCAACCGTTACATGCTGTCCCATTGTTCAAGGTAATTAGATTTCGGATTTGTTTACTAA-3'
Protein context (NP_001229825.1, residues 361-381): GIGVDLVCMG[Glu371Lys]QPLHAVPLFK

ClinVar aggregate classification (germline): Uncertain significance. Review status: criteria provided, multiple submitters, no conflicts (2 of 4 stars). 2 submissions from 2 submitters: Uncertain significance (2). Last evaluated 2024-10-17.

Conditions:
Inborn genetic diseases. Identifiers: MedGen C0950123, MeSH D030342.
Familial focal epilepsy with variable foci (FPEVF). Identifiers: Orphanet 98820, MedGen C1858477, MONDO:0020310.

Submissions (2):

Ambry Genetics
Classification: Uncertain significance for Inborn genetic diseases. Last evaluated: 2024-10-17. Review status: criteria provided, single submitter. Criteria: Ambry Variant Classification Scheme 2023. Collection method: clinical testing. Allele origin: germline.

Labcorp Genetics (formerly Invitae), Labcorp
Classification: Uncertain significance for Familial focal epilepsy with variable foci. Last evaluated: 2023-11-13. Review status: criteria provided, single submitter. Criteria: Invitae Variant Classification Sherloc (09022015). Collection method: clinical testing. Allele origin: germline.
Comment: This sequence change replaces glutamic acid, which is acidic and polar, with lysine, which is basic and polar, at codon 371 of the DEPDC5 protein (p.Glu371Lys). This variant is not present in population databases (gnomAD no frequency). This variant has not been reported in the literature in individuals affected with DEPDC5-related conditions. Experimental studies and prediction algorithms are not available or were not evaluated, and the functional significance of this variant is currently unknown. In summary, the available evidence is currently insufficient to determine the role of this variant in disease. Therefore, it has been classified as a Variant of Uncertain Significance.